The following is an entry in ClinVar:

ClinVar aggregate classification (germline): Uncertain significance. Review status: criteria provided, multiple submitters, no conflicts (2 of 4 stars). 2 submissions from 2 submitters: Uncertain significance (2). Last evaluated 2026-04-22.

Conditions:
Familial cancer of breast. Also called: hereditary breast carcinoma; BREAST CANCER, FAMILIAL; Hereditary breast cancer. Identifiers: Orphanet 227535, MedGen C0346153, MONDO:0016419, OMIM 114480. Disease mechanism: loss of function.
Hereditary cancer-predisposing syndrome. Also called: Hereditary Cancer Syndrome; Hereditary neoplastic syndrome; Neoplastic Syndromes, Hereditary; Tumor predisposition. Identifiers: Orphanet 140162, MedGen C0027672, MeSH D009386, MONDO:0015356.

Submissions (2):

Ambry Genetics
Classification: Uncertain significance for Hereditary cancer-predisposing syndrome. Last evaluated: 2026-04-22. Review status: criteria provided, single submitter. Criteria: Ambry Variant Classification Scheme 2023. Collection method: clinical testing. Allele origin: germline.
Comment: The p.G623W variant (also known as c.1867G>T), located in coding exon 9 of the BARD1 gene, results from a G to T substitution at nucleotide position 1867. The glycine at codon 623 is replaced by tryptophan, an amino acid with highly dissimilar properties. This amino acid position is conserved. In addition, the in silico prediction for this alteration is inconclusive. Based on the available evidence, the clinical significance of this variant remains unclear.

Labcorp Genetics (formerly Invitae), Labcorp
Classification: Uncertain significance for Familial cancer of breast. Last evaluated: 2024-11-22. Review status: criteria provided, single submitter. Criteria: Invitae Variant Classification Sherloc (09022015). Collection method: clinical testing. Allele origin: germline.
Comment: This sequence change replaces glycine, which is neutral and non-polar, with tryptophan, which is neutral and slightly polar, at codon 623 of the BARD1 protein (p.Gly623Trp). This variant is not present in population databases (gnomAD no frequency). This variant has not been reported in the literature in individuals affected with BARD1-related conditions. An algorithm developed to predict the effect of missense changes on protein structure and function (PolyPhen-2) suggests that this variant is likely to be disruptive. In summary, the available evidence is currently insufficient to determine the role of this variant in disease. Therefore, it has been classified as a Variant of Uncertain Significance.

NM_000465.4(BARD1):c.1867G>T (p.Gly623Trp)

Gene: BARD1 (BRCA1 associated RING domain 1; minus strand). Cytogenetic location: 2q35.
Variant type: single nucleotide variant.
Coding change: c.1867G>T on transcript NM_000465.4 (MANE Select); coding-DNA position 1867, G replaced by T.
Protein change: p.Gly623Trp; replaces glycine 623 with tryptophan.
Molecular consequence: missense variant. On other transcripts: non-coding transcript variant (3), intron variant (1).
Genome position (GRCh38, 1-based): chr2:214,745,103, C>A on the plus strand (G>T on the coding strand, the complement: BARD1 is on the minus strand). VCF-style: chr2-214745103-C-A. GRCh37 (hg19) VCF-style: chr2-215609827-C-A.
Other names: c.1867G>T (NM_000465.2); c.1810G>T, p.Gly604Trp (NM_001282543.2); c.514G>T, p.Gly172Trp (NM_001282545.2); c.457G>T, p.Gly153Trp (NM_001282548.2); c.365-14595G>T (NM_001282549.2); short protein forms G604W, G153W, G172W, G623W.
Identifiers: ClinVar variation 3725808 (VCV003725808.3).